The following is an entry in ClinVar:

NM_001171.6(ABCC6):c.1780-3T>C

Gene: ABCC6 (ATP binding cassette subfamily C member 6; minus strand). Cytogenetic location: 16p13.11.
Variant type: single nucleotide variant.
Coding change: c.1780-3T>C on transcript NM_001171.6 (MANE Select); 3 bases into the intron before coding-DNA position 1780, T replaced by C.
Molecular consequence: intron variant.
Genome position (GRCh38, 1-based): chr16:16,187,214, A>G on the plus strand (T>C on the coding strand, the complement: ABCC6 is on the minus strand). VCF-style: chr16-16187214-A-G. GRCh37 (hg19) VCF-style: chr16-16281071-A-G.
Other names: c.1438-3T>C (NM_001351800.1).
Identifiers: ClinVar variation 1963892 (VCV001963892.3), dbSNP rs752043367, ClinGen allele CA7926158.

ClinVar aggregate classification (germline): Conflicting classifications of pathogenicity. Review status: criteria provided, conflicting classifications (1 of 4 stars). 2 submissions from 2 submitters: Uncertain significance (1); Likely benign (1). Last evaluated 2024-07-09.

Allele frequency attached by ClinVar (database versions not stated): TOPMed below 0.00001; gnomAD 0.00001; gnomAD exomes 0.00002; ExAC 0.00003.
gnomAD v4.1: 35 of 1,612,934 alleles (0.0022%); highest among the groups gnomAD compares: Non-Finnish European, 0.003%; no homozygotes.

Submissions (2):

Blueprint Genetics
Classification: Likely benign. Last evaluated: 2024-07-09. Review status: criteria provided, single submitter. Criteria: ACMG Guidelines, 2015. Collection method: clinical testing. Allele origin: germline.

Labcorp Genetics (formerly Invitae), Labcorp
Classification: Uncertain significance. Last evaluated: 2022-08-13. Review status: criteria provided, single submitter. Criteria: Invitae Variant Classification Sherloc (09022015). Collection method: clinical testing. Allele origin: germline.
Comment: This sequence change falls in intron 13 of the ABCC6 gene. It does not directly change the encoded amino acid sequence of the ABCC6 protein. It affects a nucleotide within the consensus splice site. This variant is present in population databases (rs752043367, gnomAD 0.01%). This variant has not been reported in the literature in individuals affected with ABCC6-related conditions. Variants that disrupt the consensus splice site are a relatively common cause of aberrant splicing (PMID: 17576681, 9536098). Algorithms developed to predict the effect of sequence changes on RNA splicing suggest that this variant is not likely to affect RNA splicing. In summary, the available evidence is currently insufficient to determine the role of this variant in disease. Therefore, it has been classified as a Variant of Uncertain Significance.

Literature cited by the submitters: PubMed 17576681 (cited by Labcorp Genetics (formerly Invitae), Labcorp); PubMed 9536098 (cited by Labcorp Genetics (formerly Invitae), Labcorp).